The following is an entry in ClinVar:

NM_000179.3(MSH6):c.2604G>A (p.Met868Ile)

Gene: MSH6 (mutS homolog 6; plus strand). Cytogenetic location: 2p16.3.
Variant type: single nucleotide variant.
Coding change: c.2604G>A on transcript NM_000179.3 (MANE Select); coding-DNA position 2604, G replaced by A.
Protein change: p.Met868Ile; replaces methionine 868 with isoleucine.
Molecular consequence: missense variant.
Genome position (GRCh38, 1-based): chr2:47,800,587, G>A. VCF-style: chr2-47800587-G-A. GRCh37 (hg19) VCF-style: chr2-48027726-G-A.
Other names: c.2214G>A, p.Met738Ile (NM_001281492.2); c.1698G>A, p.Met566Ile (NM_001281493.2, NM_001281494.2); short protein forms M868I, M566I, M738I.
Identifiers: ClinVar variation 479929 (VCV000479929.28), dbSNP rs749508276, ClinGen allele CA069280.
Genomic context (GRCh38, chr2:47,800,587, plus strand): 5'-TACATACAGCAAGAAGAAGATTATTGATTTTCTTTCTGCTCTGGAAGGATTCAAAGTAAT[G>A]TGTAAAATTATAGGGATCATGGAAGAAGTTGCTGATGGTTTTAAGTCTAAAATCCTTAAG-3'
Protein context (NP_000170.1, residues 858-878): FLSALEGFKV[Met868Ile]CKIIGIMEEV

ClinVar aggregate classification (germline): Conflicting classifications of pathogenicity. Review status: criteria provided, conflicting classifications (1 of 4 stars). 8 submissions from 8 submitters: Uncertain significance (4); Likely benign (4). Last evaluated 2026-03-20.

Conditions:
Hereditary nonpolyposis colorectal neoplasms. Identifiers: MedGen C0009405, MeSH D003123.
Hereditary cancer-predisposing syndrome. Also called: Tumor predisposition; Hereditary Cancer Syndrome; Hereditary neoplastic syndrome; Neoplastic Syndromes, Hereditary. Identifiers: Orphanet 140162, MedGen C0027672, MeSH D009386, MONDO:0015356.
Endometrial carcinoma. Also called: Endometrial carcinoma, somatic. Identifiers: MedGen C0476089, MONDO:0002447, OMIM 608089, HP:0012114.
Lynch syndrome. Identifiers: Orphanet 144, MedGen C4552100, MONDO:0005835. Disease mechanism: loss of function.

Allele frequency attached by ClinVar (database versions not stated): ExAC 0.00001; gnomAD exomes 0.00001; gnomAD 0.00002; TOPMed 0.00002.
gnomAD v4.1: 8 of 1,614,008 alleles (0.0005%); highest among the groups gnomAD compares: Admixed American, 0.012%; no homozygotes.

Submissions (8):

Women's Health and Genetics/Laboratory Corporation of America, LabCorp
Classification: Uncertain significance. Last evaluated: 2026-03-20. Review status: criteria provided, single submitter. Criteria: LabCorp Variant Classification Summary - May 2015. Collection method: clinical testing. Allele origin: germline.
Comment: Variant summary: MSH6 c.2604G>A (p.Met868Ile) results in a conservative amino acid change in the encoded protein sequence. Algorithms developed to predict the effect of missense changes on protein structure and function are either unavailable or do not agree on the potential impact of this missense change. The variant allele was found at a frequency of 1.2e-05 in 249908 control chromosomes, predominantly at a frequency of 8.7e-05 within the Latino subpopulation in the gnomAD database. The available data on variant occurrences in the general population are insufficient to allow any conclusion about variant significance. To our knowledge, no occurrence of c.2604G>A in individuals affected with MSH6-related conditions and no experimental evidence demonstrating its impact on protein function have been reported. ClinVar contains an entry for this variant (Variation ID: 479929). Based on the evidence outlined above, the variant was classified as uncertain significance.

Labcorp Genetics (formerly Invitae), Labcorp
Classification: Likely benign for Hereditary nonpolyposis colorectal neoplasms. Last evaluated: 2026-01-06. Review status: criteria provided, single submitter. Criteria: Invitae Variant Classification Sherloc (09022015). Collection method: clinical testing. Allele origin: germline.

Color Diagnostics, LLC DBA Color Health
Classification: Likely benign for Hereditary cancer-predisposing syndrome. Last evaluated: 2024-10-10. Review status: criteria provided, single submitter. Criteria: ACMG Guidelines, 2015. Collection method: clinical testing. Allele origin: germline.

GeneDx
Classification: Uncertain significance. Last evaluated: 2024-07-02. Review status: criteria provided, single submitter. Criteria: GeneDx Variant Classification Process June 2021. Collection method: clinical testing. Allele origin: germline. Affected: yes.
Comment: Not observed at significant frequency in large population cohorts (gnomAD); In silico analysis indicates that this missense variant does not alter protein structure/function; Has not been previously published as pathogenic or benign to our knowledge; This variant is associated with the following publications: (PMID: 17531815, 21120944)

All of Us Research Program, National Institutes of Health
Classification: Likely benign for Lynch syndrome. Last evaluated: 2023-12-13. Review status: criteria provided, single submitter. Criteria: ACMG Guidelines, 2015. Collection method: clinical testing. Allele origin: germline. Inheritance: Autosomal dominant inheritance. Observed: 1 variant allele, 1 heterozygote.
Comment: This study involves interpretation of variants in research participants for the purpose of population health screening. Participant phenotype was not available at the time of variant classification. Additional details can be found in publication PMID: 35346344, PMCID: PMC8962531

Baylor Genetics
Classification: Uncertain significance for Endometrial carcinoma. Last evaluated: 2023-10-19. Review status: criteria provided, single submitter. Criteria: ACMG Guidelines, 2015. Collection method: clinical testing. Allele origin: unknown.

Genetic Services Laboratory, University of Chicago
Classification: Uncertain significance. Last evaluated: 2019-07-30. Review status: criteria provided, single submitter. Criteria: ACMG Guidelines, 2015. Collection method: clinical testing. Allele origin: germline. Affected: no.

Ambry Genetics
Classification: Likely benign for Hereditary cancer-predisposing syndrome. Last evaluated: 2018-01-29. Review status: criteria provided, single submitter. Criteria: Ambry Variant Classification Scheme 2023. Collection method: clinical testing. Allele origin: germline.

Literature cited by the submitters: PubMed 24351291 (cited by Women's Health and Genetics/Laboratory Corporation of America, LabCorp).